The following is an entry in ClinVar:

ClinVar aggregate classification (germline): Uncertain significance. Review status: criteria provided, multiple submitters, no conflicts (2 of 4 stars). 2 submissions from 2 submitters: Uncertain significance (2). Last evaluated 2024-06-17.

Conditions:
Inborn genetic diseases. Identifiers: MedGen C0950123, MeSH D030342.
Bardet-Biedl syndrome (BBS). Identifiers: Orphanet 110, MedGen C0752166, MONDO:0015229.

Allele frequency attached by ClinVar (database versions not stated): gnomAD exomes below 0.00001; ExAC 0.00001; gnomAD 0.00001; TOPMed 0.00001.
gnomAD v4.1: 2 of 1,607,034 alleles (0.00012%); highest among the groups gnomAD compares: African/African-American, 0.0027%; no homozygotes.

Submissions (2):

Ambry Genetics
Classification: Uncertain significance for Inborn genetic diseases. Last evaluated: 2024-06-17. Review status: criteria provided, single submitter. Criteria: Ambry Variant Classification Scheme 2023. Collection method: clinical testing. Allele origin: germline.

Labcorp Genetics (formerly Invitae), Labcorp
Classification: Uncertain significance for Bardet-Biedl syndrome. Last evaluated: 2022-06-12. Review status: criteria provided, single submitter. Criteria: Invitae Variant Classification Sherloc (09022015). Collection method: clinical testing. Allele origin: germline.
Comment: This sequence change replaces tryptophan, which is neutral and slightly polar, with cysteine, which is neutral and slightly polar, at codon 673 of the BBS12 protein (p.Trp673Cys). This variant is present in population databases (rs751128980, gnomAD 0.007%). This variant has not been reported in the literature in individuals affected with BBS12-related conditions. Algorithms developed to predict the effect of missense changes on protein structure and function (SIFT, PolyPhen-2, Align-GVGD) all suggest that this variant is likely to be disruptive. In summary, the available evidence is currently insufficient to determine the role of this variant in disease. Therefore, it has been classified as a Variant of Uncertain Significance.

NM_152618.3(BBS12):c.2019G>T (p.Trp673Cys)

Gene: BBS12 (Bardet-Biedl syndrome 12; plus strand). Cytogenetic location: 4q27.
Variant type: single nucleotide variant.
Coding change: c.2019G>T on transcript NM_152618.3 (MANE Select); coding-DNA position 2019, G replaced by T.
Protein change: p.Trp673Cys; replaces tryptophan 673 with cysteine.
Molecular consequence: missense variant.
Genome position (GRCh38, 1-based): chr4:122,743,911, G>T. VCF-style: chr4-122743911-G-T. GRCh37 (hg19) VCF-style: chr4-123665066-G-T.
Other names: c.2019G>T, p.Trp673Cys (NM_001178007.2); c.2019G>T (NM_152618.2); short protein forms W673C.
Identifiers: ClinVar variation 2176011 (VCV002176011.2), dbSNP rs751128980, ClinGen allele CA3069550.